The following is an entry in ClinVar:

NM_019109.5(ALG1):c.334A>C (p.Met112Leu)

Gene: ALG1 (ALG1 chitobiosyldiphosphodolichol beta-mannosyltransferase; plus strand). Cytogenetic location: 16p13.3.
Variant type: single nucleotide variant.
Coding change: c.334A>C on transcript NM_019109.5 (MANE Select); coding-DNA position 334, A replaced by C.
Protein change: p.Met112Leu; replaces methionine 112 with leucine.
Molecular consequence: missense variant. On other transcripts: initiator codon variant (1).
Genome position (GRCh38, 1-based): chr16:5,073,200, A>C. VCF-style: chr16-5073200-A-C. GRCh37 (hg19) VCF-style: chr16-5123201-A-C.
Other names: p.Met112Leu; c.1A>C, p.Met1Leu (NM_001330504.2); short protein forms M1L.
Identifiers: ClinVar variation 384254 (VCV000384254.14), dbSNP rs113219939, ClinGen allele CA7889790.
Genomic context (GRCh38, chr16:5,073,200, plus strand): 5'-TTCTGACTTGCAGTTGGGCCCCGAGTTTTCCAGTACGGAGTCAAAGTTGTACTTCAGGCT[A>C]TGTACTTGCTGTGGAAGTTGATGTGGAGGGAGCCAGGTGCCTATATCTTTCTCCAGGTGT-3'
Protein context (NP_061982.3, residues 102-122): QYGVKVVLQA[Met112Leu]YLLWKLMWRE

ClinVar aggregate classification (germline): Benign. Review status: criteria provided, multiple submitters, no conflicts (2 of 4 stars). 4 submissions from 4 submitters: Benign (4). Last evaluated 2026-02-03.

Conditions:
ALG1-congenital disorder of glycosylation. Also called: ALG1-CDG; CONGENITAL DISORDER OF GLYCOSYLATION, TYPE Ik; CDG Ik. Identifiers: Orphanet 79327, MedGen C2931005, MONDO:0012052, OMIM 608540.

Allele frequency attached by ClinVar (database versions not stated): gnomAD exomes 0.00315; ExAC 0.00395; ESP Exome Variant Server 0.01308; 1000 Genomes Project 0.01318; TOPMed 0.01342; 1000 Genomes Project 30x 0.01343.

Submissions (4):

Labcorp Genetics (formerly Invitae), Labcorp
Classification: Benign for ALG1-congenital disorder of glycosylation. Last evaluated: 2026-02-03. Review status: criteria provided, single submitter. Criteria: Invitae Variant Classification Sherloc (09022015). Collection method: clinical testing. Allele origin: germline.

Mayo Clinic Laboratories, Mayo Clinic
Classification: Benign. Last evaluated: 2024-09-17. Review status: criteria provided, single submitter. Criteria: ACMG Guidelines, 2015. Collection method: clinical testing. Allele origin: germline. Observed: 3 variant alleles.
Comment: BS1, BS2, BP4

GeneDx
Classification: Benign. Last evaluated: 2016-04-25. Review status: criteria provided, single submitter. Criteria: GeneDx Variant Classification (06012015). Collection method: clinical testing. Allele origin: germline. Affected: yes.
Comment: This variant is considered likely benign or benign based on one or more of the following criteria: it is a conservative change, it occurs at a poorly conserved position in the protein, it is predicted to be benign by multiple in silico algorithms, and/or has population frequency not consistent with disease.

Breakthrough Genomics
Classification: Benign. Review status: criteria provided, single submitter. Criteria: ACMG Guidelines, 2015. Collection method: not provided. Allele origin: germline. Inheritance: Autosomal recessive inheritance. Affected: yes.